The following is an entry in ClinVar:

ClinVar aggregate classification (germline): Uncertain significance. Review status: criteria provided, multiple submitters, no conflicts (2 of 4 stars). 2 submissions from 2 submitters: Uncertain significance (2). Last evaluated 2024-07-10.

Conditions:
Larsen-like syndrome, B3GAT3 type. Also called: Multiple joint dislocations, short stature, craniofacial dysmorphism, with or without congenital heart defects; MULTIPLE JOINT DISLOCATIONS, SHORT STATURE, AND CRANIOFACIAL DYSMORPHISM WITH OR WITHOUT CONGENITAL HEART DEFECTS. Identifiers: Orphanet 284139, MedGen CN034159, MONDO:0009511, OMIM 245600.

Submissions (2):

GeneDx
Classification: Uncertain significance. Last evaluated: 2024-07-10. Review status: criteria provided, single submitter. Criteria: GeneDx Variant Classification Process June 2021. Collection method: clinical testing. Allele origin: germline. Affected: yes.
Comment: Not observed at significant frequency in large population cohorts (gnomAD); In-frame insertion of 2 amino acids in a non-repeat region; In silico analysis indicates that this variant does not alter protein structure/function; Has not been previously published as pathogenic or benign to our knowledge

Labcorp Genetics (formerly Invitae), Labcorp
Classification: Uncertain significance for Larsen-like syndrome, B3GAT3 type. Last evaluated: 2022-07-28. Review status: criteria provided, single submitter. Criteria: Invitae Variant Classification Sherloc (09022015). Collection method: clinical testing. Allele origin: germline.
Comment: This variant, c.13_18dup, results in the insertion of 2 amino acid(s) of the B3GAT3 protein (p.Leu5_Lys6dup), but otherwise preserves the integrity of the reading frame. This variant is present in population databases (rs747261270, gnomAD 0.007%). This variant has not been reported in the literature in individuals affected with B3GAT3-related conditions. Experimental studies and prediction algorithms are not available or were not evaluated, and the functional significance of this variant is currently unknown. In summary, the available evidence is currently insufficient to determine the role of this variant in disease. Therefore, it has been classified as a Variant of Uncertain Significance.

NM_012200.4(B3GAT3):c.7CTGAAG[3] (p.Lys6_Asn7insLeuLys)

Gene: B3GAT3 (beta-1,3-glucuronyltransferase 3; minus strand). Cytogenetic location: 11q12.3.
Variant type: Microsatellite.
Coding change: c.7CTGAAG[3] on transcript NM_012200.4 (MANE Select); three copies in a row of the 6-base unit CTGAAG starting at c.7; the reference has two copies in a row; one copy, 6 bases duplicated; also written c.13_18dup.
Protein change: p.Lys6_Asn7insLeuLys.
Molecular consequence: inframe insertion, initiator codon variant. On other transcripts: 5 prime UTR variant (1), non-coding transcript variant (1).
Genome position (GRCh38, 1-based): chr11:62,621,930-62,621,935, CTTCAG duplicated on the plus strand (CTGAAG on the coding strand, the reverse complement: B3GAT3 is on the minus strand); duplicating any 6 consecutive bases within chr11:62,621,930-62,621,946 gives the same sequence; the position shown is the placement nearest the transcript's 3' end. VCF-style (leftmost placement, unchanged base first): chr11-62621929-T-TCTTCAG. GRCh37 (hg19) VCF-style: chr11-62389401-T-TCTTCAG.
Other names: c.13_18dup (NM_012200.3); c.-254CTGAAG[3] (NM_001288721.2); c.7CTGAAG[3], p.Lys6_Asn7insLeuLys (NM_001288722.2, NM_001288723.2).
Identifiers: ClinVar variation 1982151 (VCV001982151.3), dbSNP rs747261270, ClinGen allele CA6050270.